The following is an entry in ClinVar:

ClinVar aggregate classification (germline): Conflicting classifications of pathogenicity. Review status: criteria provided, conflicting classifications (1 of 4 stars). 6 submissions from 6 submitters: Uncertain significance (3); Likely benign (2). 1 of the submissions does not count toward it. Last evaluated 2025-08-30.

Conditions:
Hereditary breast ovarian cancer syndrome. Also called: Hereditary breast and ovarian cancer syndrome (HBOC); BRCA1- and BRCA2-Associated Hereditary Breast and Ovarian Cancer; Hereditary breast and/or ovarian cancer syndrome; Hereditary breast and ovarian cancer syndrome; Hereditary breast and ovarian cancer; Breast and ovarian cancer. Identifiers: Orphanet 145, MedGen C0677776, MeSH D061325, MONDO:0003582. Disease mechanism: loss of function.
Hereditary cancer-predisposing syndrome. Also called: Neoplastic Syndromes, Hereditary; Hereditary neoplastic syndrome; Tumor predisposition; Hereditary Cancer Syndrome. Identifiers: Orphanet 140162, MedGen C0027672, MeSH D009386, MONDO:0015356.
Breast-ovarian cancer, familial, susceptibility to, 1 (BROVCA1). Also called: BRCA1 Hereditary Breast and Ovarian Cancer; OVARIAN CANCER, SUSCEPTIBILITY TO. Identifiers: Orphanet 145, MedGen C2676676, MONDO:0011450, OMIM 604370. Disease mechanism: loss of function.

Allele frequency attached by ClinVar (database versions not stated): gnomAD exomes below 0.00001; ExAC 0.00001.
gnomAD v4.1: 6 of 1,614,070 alleles (0.00037%); highest among the groups gnomAD compares: South Asian, 0.0011%; no homozygotes.

Submissions (6):

Labcorp Genetics (formerly Invitae), Labcorp
Classification: Uncertain significance for Hereditary breast ovarian cancer syndrome. Last evaluated: 2025-08-30. Review status: criteria provided, single submitter. Criteria: Invitae Variant Classification Sherloc (09022015). Collection method: clinical testing. Allele origin: germline.
Comment: This sequence change replaces leucine, which is neutral and non-polar, with proline, which is neutral and non-polar, at codon 138 of the BRCA1 protein (p.Leu138Pro). This variant is present in population databases (rs200449040, gnomAD 0.003%). This variant has not been reported in the literature in individuals affected with BRCA1-related conditions. ClinVar contains an entry for this variant (Variation ID: 433690). Invitae Evidence Modeling of protein sequence and biophysical properties (such as structural, functional, and spatial information, amino acid conservation, physicochemical variation, residue mobility, and thermodynamic stability) indicates that this missense variant is not expected to disrupt BRCA1 protein function with a negative predictive value of 80%. In summary, the available evidence is currently insufficient to determine the role of this variant in disease. Therefore, it has been classified as a Variant of Uncertain Significance.

Blueprint Genetics
Classification: Likely benign. Last evaluated: 2024-10-25. Review status: criteria provided, single submitter. Criteria: ACMG Guidelines, 2015. Collection method: clinical testing. Allele origin: germline.

Myriad Genetics, Inc.
Classification: Likely benign for Breast-ovarian cancer, familial, susceptibility to, 1. Last evaluated: 2023-03-10. Review status: criteria provided, single submitter. Criteria: Myriad Autosomal Dominant, Autosomal Recessive and X-Linked Classification Criteria (2023). Collection method: clinical testing. Allele origin: unknown.
Comment: This variant is considered likely benign. This variant is strongly associated with less severe personal and family histories of cancer, typical for individuals without pathogenic variants in this gene [PMID: 25085752].

Ambry Genetics
Classification: Uncertain significance for Hereditary cancer-predisposing syndrome. Last evaluated: 2021-11-09. Review status: criteria provided, single submitter. Criteria: Ambry Variant Classification Scheme 2023. Collection method: clinical testing. Allele origin: germline.
Comment: The p.L138P variant (also known as c.413T>C), located in coding exon 5 of the BRCA1 gene, results from a T to C substitution at nucleotide position 413. The leucine at codon 138 is replaced by proline, an amino acid with similar properties. This amino acid position is poorly conserved in available vertebrate species. In addition, the in silico prediction for this alteration is inconclusive. Since supporting evidence is limited at this time, the clinical significance of this alteration remains unclear.

Color Diagnostics, LLC DBA Color Health
Classification: Uncertain significance for Hereditary cancer-predisposing syndrome. Last evaluated: 2019-05-15. Review status: criteria provided, single submitter. Criteria: ACMG Guidelines, 2015. Collection method: clinical testing. Allele origin: germline.

Department of Pathology and Laboratory Medicine, Sinai Health System
Classification: Uncertain significance. Review status: no assertion criteria provided. Collection method: clinical testing. Allele origin: unknown. Affected: yes. Observed: 1 variant allele. Study: The Canadian Open Genetics Repository (COGR). Not counted in ClinVar's aggregate classification.

Literature cited by the submitters: PubMed 25085752 (cited by Myriad Genetics, Inc.).

NM_007294.4(BRCA1):c.413T>C (p.Leu138Pro)

Gene: BRCA1 (BRCA1 DNA repair associated; minus strand). Cytogenetic location: 17q21.31.
Variant type: single nucleotide variant.
Coding change: c.413T>C on transcript NM_007294.4 (MANE Select); coding-DNA position 413, T replaced by C.
Protein change: p.Leu138Pro; replaces leucine 138 with proline.
Molecular consequence: missense variant. On other transcripts: non-coding transcript variant (1).
Genome position (GRCh38, 1-based): chr17:43,104,150, A>G on the plus strand (T>C on the coding strand, the complement: BRCA1 is on the minus strand). VCF-style: chr17-43104150-A-G. GRCh37 (hg19) VCF-style: chr17-41256167-A-G.
Other names: c.203T>C, p.Leu68Pro (NM_001407571.1, NM_001407853.1, NM_001407879.1 and 58 more transcripts); c.413T>C, p.Leu138Pro (NM_001407581.1, NM_001407582.1, NM_001407583.1 and 165 more transcripts); c.404T>C, p.Leu135Pro (NM_001407646.1, NM_001407647.1, NM_001408408.1); c.335T>C, p.Leu112Pro (NM_001407653.1, NM_001407654.1, NM_001407655.1 and 21 more transcripts); c.272T>C, p.Leu91Pro (NM_001407692.1, NM_001407694.1, NM_001407695.1 and 99 more transcripts); c.32T>C, p.Leu11Pro (NM_001407959.1, NM_001407960.1, NM_001407962.1 and 4 more transcripts); c.281T>C, p.Leu94Pro (NM_001408451.1); short protein forms L138P, L91P, L68P, L94P, L11P, L135P, L112P.
Identifiers: ClinVar variation 433690 (VCV000433690.21), dbSNP rs200449040, ClinGen allele CA055866.